The following is an entry in ClinVar:

ClinVar aggregate classification (germline): Likely pathogenic. Review status: criteria provided, multiple submitters, no conflicts (2 of 4 stars). 2 submissions from 2 submitters: Likely pathogenic (2). Last evaluated 2023-01-16.

Conditions:
TH-deficient dopa-responsive dystonia. Also called: Tyrosine Hydroxylase-Deficient Dopa-Responsive Dystonia; Segawa syndrome, autosomal recessive; DYT-TH. Identifiers: Orphanet 101150, MedGen C2673535, MONDO:0011551, OMIM 605407.

Allele frequency attached by ClinVar (database versions not stated): gnomAD exomes below 0.00001.
gnomAD v4.1: 2 of 1,558,240 alleles (0.00013%); highest among the groups gnomAD compares: Non-Finnish European, 0.00017%; no homozygotes.

Submissions (2):

Labcorp Genetics (formerly Invitae), Labcorp
Classification: Likely pathogenic for TH-deficient dopa-responsive dystonia. Last evaluated: 2023-01-16. Review status: criteria provided, single submitter. Criteria: Invitae Variant Classification Sherloc (09022015). Collection method: clinical testing. Allele origin: germline.
Comment: In summary, the currently available evidence indicates that the variant is pathogenic, but additional data are needed to prove that conclusively. Therefore, this variant has been classified as Likely Pathogenic. Algorithms developed to predict the effect of sequence changes on RNA splicing suggest that this variant may disrupt the consensus splice site. ClinVar contains an entry for this variant (Variation ID: 648965). Disruption of this splice site has been observed in individual(s) with dystonia (PMID: 32185155). This variant is not present in population databases (gnomAD no frequency). This sequence change affects an acceptor splice site in intron 6 of the TH gene. It is expected to disrupt RNA splicing. Variants that disrupt the donor or acceptor splice site typically lead to a loss of protein function (PMID: 16199547), and loss-of-function variants in TH are known to be pathogenic (PMID: 22264700, 24753243).

Juno Genomics, Hangzhou Juno Genomics, Inc
Classification: Likely pathogenic for TH-deficient dopa-responsive dystonia. Review status: criteria provided, single submitter. Criteria: ACMG Guidelines, 2015. Collection method: clinical testing. Allele origin: germline.
Comment: Absent from controls (or at extremely low frequency if recessive) in Genome Aggregation Database.;Null variant in a gene where loss of function (LOF) is a known mechanism of disease.;For recessive disorders, detected in trans with a pathogenic variant.;Patient's phenotype or family history is highly specific for a disease with a single genetic etiology.

Literature cited by the submitters: PubMed 32185155 (cited by Labcorp Genetics (formerly Invitae), Labcorp); PubMed 16199547 (cited by Labcorp Genetics (formerly Invitae), Labcorp); PubMed 22264700 (cited by Labcorp Genetics (formerly Invitae), Labcorp); PubMed 24753243 (cited by Labcorp Genetics (formerly Invitae), Labcorp).

NM_000360.4(TH):c.645-2A>G

Gene: TH (tyrosine hydroxylase; minus strand). Cytogenetic location: 11p15.5.
Variant type: single nucleotide variant.
Coding change: c.645-2A>G on transcript NM_000360.4 (MANE Select); the canonical splice acceptor site of the intron before coding-DNA position 645, A replaced by G.
Molecular consequence: splice acceptor variant.
Genome position (GRCh38, 1-based): chr11:2,167,487, T>C on the plus strand (A>G on the coding strand, the complement: TH is on the minus strand). VCF-style: chr11-2167487-T-C. GRCh37 (hg19) VCF-style: chr11-2188717-T-C.
Other names: c.726-2A>G (NM_199293.3); c.738-2A>G (NM_199292.3).
Identifiers: ClinVar variation 648965 (VCV000648965.9), dbSNP rs1590168368, ClinGen allele CA379127544.